The following is an entry in ClinVar:

NM_005321.3(H1-4):c.160C>T (p.Arg54Cys)

Gene: H1-4 (H1.4 linker histone, cluster member; plus strand). Cytogenetic location: 6p22.2.
Variant type: single nucleotide variant.
Coding change: c.160C>T on transcript NM_005321.3 (MANE Select); coding-DNA position 160, C replaced by T.
Protein change: p.Arg54Cys; replaces arginine 54 with cysteine.
Molecular consequence: missense variant.
Genome position (GRCh38, 1-based): chr6:26,156,550, C>T. VCF-style: chr6-26156550-C-T. GRCh37 (hg19) VCF-style: chr6-26156778-C-T.
Other names: short protein forms R54C.
Identifiers: ClinVar variation 5022561 (VCV005022561.1).

ClinVar aggregate classification (germline): Uncertain significance (1 of 4 stars; one submission).

gnomAD v4.1: 11 of 1,614,014 alleles (0.00068%); highest among the groups gnomAD compares: African/African-American, 0.0027%; no homozygotes.

Submission:

Ambry Genetics
Classification: Uncertain significance. Last evaluated: 2026-09-09. Review status: criteria provided, single submitter. Criteria: Ambry Variant Classification Scheme 2023. Collection method: clinical testing. Allele origin: germline.
Comment: The c.160C>T (p.R54C) alteration is located in exon 1 (coding exon 1) of the HIST1H1E gene. This alteration results from a C to T substitution at nucleotide position 160, causing the arginine (R) at amino acid position 54 to be replaced by a cysteine (C). Based on data from gnomAD, the T allele has an overall frequency of <0.001% (1/250516) total alleles studied. The highest observed frequency was 0.001% (1/113134) of European (non-Finnish) alleles. Based on insufficient or conflicting evidence, the clinical significance of this alteration remains unclear.